The following is an entry in ClinVar:

NM_017654.4(SAMD9):c.4081A>G (p.Thr1361Ala)

Gene: SAMD9 (sterile alpha motif domain containing 9; minus strand). Cytogenetic location: 7q21.2.
Variant type: single nucleotide variant.
Coding change: c.4081A>G on transcript NM_017654.4 (MANE Select); coding-DNA position 4081, A replaced by G.
Protein change: p.Thr1361Ala; replaces threonine 1361 with alanine.
Molecular consequence: missense variant.
Genome position (GRCh38, 1-based): chr7:93,102,017, T>C on the plus strand (A>G on the coding strand, the complement: SAMD9 is on the minus strand). VCF-style: chr7-93102017-T-C. GRCh37 (hg19) VCF-style: chr7-92731330-T-C.
Other names: c.4081A>G, p.Thr1361Ala (NM_001193307.2); short protein forms T1361A.
Identifiers: ClinVar variation 4159181 (VCV004159181.1).

ClinVar aggregate classification (germline): Uncertain significance (1 of 4 stars; one submission).

Conditions:
Inborn genetic diseases. Identifiers: MedGen C0950123, MeSH D030342.

Submission:

Ambry Genetics
Classification: Uncertain significance for Inborn genetic diseases. Last evaluated: 2025-08-25. Review status: criteria provided, single submitter. Criteria: Ambry Variant Classification Scheme 2023. Collection method: clinical testing. Allele origin: germline.
Comment: The p.T1361A variant (also known as c.4081A>G), located in coding exon 1 of the SAMD9 gene, results from an A to G substitution at nucleotide position 4081. The threonine at codon 1361 is replaced by alanine, an amino acid with similar properties. This amino acid position is conserved. In addition, this alteration is predicted to be tolerated by in silico analysis. Based on the available evidence, the clinical significance of this variant remains unclear.